The following is an entry in ClinVar:

ClinVar aggregate classification (germline): Pathogenic (1 of 4 stars; one submission).

Conditions:
Spastic paraplegia. Identifiers: MedGen C0037772, HP:0001258.

Allele frequency attached by ClinVar (database versions not stated): gnomAD exomes below 0.00001.

Submission:

Labcorp Genetics (formerly Invitae), Labcorp
Classification: Pathogenic for Spastic paraplegia. Last evaluated: 2023-12-05. Review status: criteria provided, single submitter. Criteria: Invitae Variant Classification Sherloc (09022015). Collection method: clinical testing. Allele origin: germline.
Comment: This sequence change creates a premature translational stop signal (p.Gln2441Argfs*4) in the SACS gene. While this is not anticipated to result in nonsense mediated decay, it is expected to disrupt the last 2139 amino acid(s) of the SACS protein. This variant is not present in population databases (gnomAD no frequency). This variant has not been reported in the literature in individuals affected with SACS-related conditions. This variant disrupts a region of the SACS protein in which other variant(s) (p.Asn4549Asp) have been determined to be pathogenic (PMID: 15156359, 21507954). This suggests that this is a clinically significant region of the protein, and that variants that disrupt it are likely to be disease-causing. For these reasons, this variant has been classified as Pathogenic.

Literature cited by the submitters: PubMed 15156359; PubMed 21507954.

NM_014363.6(SACS):c.7322_7323del (p.Gln2441fs)

Gene: SACS (sacsin molecular chaperone; minus strand). Cytogenetic location: 13q12.12.
Variant type: Deletion.
Coding change: c.7322_7323del on transcript NM_014363.6 (MANE Select); coding-DNA positions 7322 to 7323, 2 bases deleted (AA; older notation c.7322_7323delAA).
Protein change: p.Gln2441fs; shifts the reading frame from glutamine 2441.
Molecular consequence: frameshift variant.
Genome position (GRCh38, 1-based): chr13:23,336,553-23,336,554, TT deleted on the plus strand (AA on the coding strand, the reverse complement: SACS is on the minus strand). VCF-style (leftmost placement, unchanged base first): chr13-23336552-CTT-C. GRCh37 (hg19) VCF-style: chr13-23910691-CTT-C.
Other names: c.6881_6882del, p.Gln2294fs (NM_001278055.2); short protein forms Q2441fs, Q2294fs.
Identifiers: ClinVar variation 3010735 (VCV003010735.3), dbSNP rs2542235500, ClinGen allele CA2622329019.